The following is an entry in ClinVar:

ClinVar aggregate classification (germline): Likely pathogenic. Review status: criteria provided, multiple submitters, no conflicts (2 of 4 stars). 2 submissions from 2 submitters: Likely pathogenic (2). Last evaluated 2025-09-18.

Conditions:
Ataxia-telangiectasia syndrome (AT). Also called: LOUIS-BAR SYNDROME; Cerebello-oculocutaneous telangiectasia; Immunodeficiency with ataxia telangiectasia; ATAXIA-TELANGIECTASIA, COMPLEMENTATION GROUP A; ATAXIA-TELANGIECTASIA, FRESNO VARIANT; Ataxia-telangiectasia. Identifiers: Orphanet 100, MedGen C0004135, MONDO:0008840, OMIM 208900.
Hereditary cancer-predisposing syndrome. Also called: Tumor predisposition; Hereditary Cancer Syndrome; Neoplastic Syndromes, Hereditary; Hereditary neoplastic syndrome. Identifiers: Orphanet 140162, MedGen C0027672, MeSH D009386, MONDO:0015356.

Submissions (2):

Ambry Genetics
Classification: Likely pathogenic for Hereditary cancer-predisposing syndrome. Last evaluated: 2025-09-18. Review status: criteria provided, single submitter. Criteria: Ambry Variant Classification Scheme 2023. Collection method: clinical testing. Allele origin: germline.
Comment: The c.8010+1G>A intronic variant results from a G to A substitution one nucleotide after coding exon 53 of the ATM gene. This nucleotide position is highly conserved in available vertebrate species. Alterations that disrupt the canonical splice site are expected to cause aberrant splicing, resulting in an abnormal protein or a transcript that is subject to nonsense-mediated mRNA decay. In silico splice site analysis predicts that this alteration will weaken the native splice donor site. RNA studies have demonstrated that this alteration results in abnormal splicing in the set of samples tested (Ambry internal data). This variant is considered to be rare based on population cohorts in the Genome Aggregation Database (gnomAD). As such, this alteration is classified as likely pathogenic.

Labcorp Genetics (formerly Invitae), Labcorp
Classification: Likely pathogenic for Ataxia-telangiectasia syndrome. Last evaluated: 2025-01-29. Review status: criteria provided, single submitter. Criteria: Invitae Variant Classification Sherloc (09022015). Collection method: clinical testing. Allele origin: germline.
Comment: This sequence change affects a donor splice site in intron 54 of the ATM gene. It is expected to disrupt RNA splicing. Variants that disrupt the donor or acceptor splice site typically lead to a loss of protein function (PMID: 16199547), and loss-of-function variants in ATM are known to be pathogenic (PMID: 23807571, 25614872). This variant is not present in population databases (gnomAD no frequency). This variant has not been reported in the literature in individuals affected with ATM-related conditions. ClinVar contains an entry for this variant (Variation ID: 3450694). Algorithms developed to predict the effect of sequence changes on RNA splicing suggest that this variant may disrupt the consensus splice site. In summary, the currently available evidence indicates that the variant is pathogenic, but additional data are needed to prove that conclusively. Therefore, this variant has been classified as Likely Pathogenic.

Literature cited by the submitters: PubMed 16199547 (cited by Labcorp Genetics (formerly Invitae), Labcorp); PubMed 23807571 (cited by Labcorp Genetics (formerly Invitae), Labcorp); PubMed 25614872 (cited by Labcorp Genetics (formerly Invitae), Labcorp).

NM_000051.4(ATM):c.8010+1G>A

Genes: ATM (ATM serine/threonine kinase; plus strand), C11orf65 (chromosome 11 open reading frame 65; minus strand). Cytogenetic location: 11q22.3.
Variant type: single nucleotide variant.
Coding change: c.8010+1G>A on transcript NM_000051.4 (MANE Select); the canonical splice donor site of the intron after coding-DNA position 8010, G replaced by A.
Molecular consequence: splice donor variant. On other transcripts: intron variant (2).
Genome position (GRCh38, 1-based): chr11:108,333,969, G>A. VCF-style: chr11-108333969-G-A. GRCh37 (hg19) VCF-style: chr11-108204696-G-A.
Other names: c.8010+1G>A (NM_001351834.2); c.641-24898C>T (NM_001330368.2); c.*38+1251C>T (NM_001351110.2).
Identifiers: ClinVar variation 3450694 (VCV003450694.1).